The following is an entry in ClinVar:

NM_000363.5(TNNI3):c.536del (p.Glu179fs)

Gene: TNNI3 (troponin I3, cardiac type; minus strand). Cytogenetic location: 19q13.42.
Variant type: Deletion.
Coding change: c.536del on transcript NM_000363.5 (MANE Select); coding-DNA position 536, one base deleted (A; older notation c.536delA).
Protein change: p.Glu179fs; shifts the reading frame from glutamic acid 179.
Molecular consequence: frameshift variant.
Genome position (GRCh38, 1-based): chr19:55,154,043, T deleted on the plus strand (A on the coding strand, the reverse complement: TNNI3 is on the minus strand). VCF-style (leftmost placement, unchanged base first): chr19-55154042-CT-C. GRCh37 (hg19) VCF-style: chr19-55665410-CT-C.
Other names: short protein forms E179fs.
Identifiers: ClinVar variation 2033078 (VCV002033078.4), dbSNP rs1454735927, ClinGen allele CA883722022.

ClinVar aggregate classification (germline): Uncertain significance (1 of 4 stars; one submission).

Conditions:
Hypertrophic cardiomyopathy. Also called: HYPERTROPHIC MYOCARDIOPATHY. Identifiers: Orphanet 217569, MedGen C0007194, MeSH D002312, MONDO:0005045, HP:0001639.

Submission:

Labcorp Genetics (formerly Invitae), Labcorp
Classification: Uncertain significance for Hypertrophic cardiomyopathy. Last evaluated: 2022-09-28. Review status: criteria provided, single submitter. Criteria: Invitae Variant Classification Sherloc (09022015). Collection method: clinical testing. Allele origin: germline.
Comment: In summary, the available evidence is currently insufficient to determine the role of this variant in disease. Therefore, it has been classified as a Variant of Uncertain Significance. Algorithms developed to predict the effect of sequence changes on RNA splicing suggest that this variant may create or strengthen a splice site. This variant has not been reported in the literature in individuals affected with TNNI3-related conditions. This variant is not present in population databases (gnomAD no frequency). This sequence change creates a premature translational stop signal (p.Glu179Glyfs*20) in the TNNI3 gene. While this is not anticipated to result in nonsense mediated decay, it is expected to disrupt the last 32 amino acid(s) of the TNNI3 protein.